The following is an entry in ClinVar:

ClinVar aggregate classification (germline): Uncertain significance. Review status: criteria provided, multiple submitters, no conflicts (2 of 4 stars). 2 submissions from 2 submitters: Uncertain significance (2). Last evaluated 2025-03-18.

Allele frequency attached by ClinVar (database versions not stated): gnomAD 0.00005; ESP Exome Variant Server 0.00015; 1000 Genomes Project 30x 0.00031; gnomAD exomes below 0.00001; TOPMed 0.00005; 1000 Genomes Project 0.00020.
gnomAD v4.1: 10 of 1,613,568 alleles (0.00062%); highest among the groups gnomAD compares: African/African-American, 0.013%; no homozygotes.

Submissions (2):

Mayo Clinic Laboratories, Mayo Clinic
Classification: Uncertain significance. Last evaluated: 2025-03-18. Review status: criteria provided, single submitter. Criteria: ACMG Guidelines, 2015. Collection method: clinical testing. Allele origin: germline. Observed: 1 variant allele.
Comment: BP4_moderate, PM2_supporting

Athena Diagnostics
Classification: Uncertain significance. Last evaluated: 2020-01-09. Review status: criteria provided, single submitter. Criteria: Athena Diagnostics Criteria. Collection method: clinical testing. Allele origin: unknown.

NM_018319.4(TDP1):c.1701G>C (p.Met567Ile)

Gene: TDP1 (tyrosyl-DNA phosphodiesterase 1; plus strand). Cytogenetic location: 14q32.11.
Variant type: single nucleotide variant.
Coding change: c.1701G>C on transcript NM_018319.4 (MANE Select); coding-DNA position 1701, G replaced by C.
Protein change: p.Met567Ile; replaces methionine 567 with isoleucine.
Molecular consequence: missense variant. On other transcripts: intron variant (1).
Genome position (GRCh38, 1-based): chr14:90,033,162, G>C. VCF-style: chr14-90033162-G-C. GRCh37 (hg19) VCF-style: chr14-90499506-G-C.
Other names: p.Met567Ile; c.1701G>C, p.Met567Ile (NM_001008744.2); c.1645-9908G>C (NM_001330205.2); short protein forms M567I.
Identifiers: ClinVar variation 994822 (VCV000994822.2), dbSNP rs375084022, ClinGen allele CA7304085.
Genomic context (GRCh38, chr14:90,033,162, plus strand): 5'-GCAGGGTCTAGACAGTTTCAAAGTGAAACAGAAGTTCTTCGCTGGCAGCCAGGAGCCAAT[G>C]GCCACCTTTCCTGTGCCATATGATTTGCCTCCAGAACTGTATGGAAGTAAAGGTGAGACA-3'
Protein context (NP_060789.2, residues 557-577): QKFFAGSQEP[Met567Ile]ATFPVPYDLP